The following is an entry in ClinVar:

ClinVar aggregate classification (germline): Pathogenic (1 of 4 stars; one submission).

Conditions:
Osteogenesis imperfecta type 8 (OI8). Identifiers: MedGen C1970458, MONDO:0012581, OMIM 610915.

Submission:

Labcorp Genetics (formerly Invitae), Labcorp
Classification: Pathogenic for Osteogenesis imperfecta type 8. Last evaluated: 2025-04-23. Review status: criteria provided, single submitter. Criteria: Invitae Variant Classification Sherloc (09022015). Collection method: clinical testing. Allele origin: germline.
Comment: This sequence change creates a premature translational stop signal (p.Ala40Argfs*136) in the P3H1 gene. It is expected to result in an absent or disrupted protein product. Loss-of-function variants in P3H1 are known to be pathogenic (PMID: 17277775, 18566967, 19088120, 22281939). This variant is not present in population databases (gnomAD no frequency). This variant has not been reported in the literature in individuals affected with P3H1-related conditions. For these reasons, this variant has been classified as Pathogenic.

Literature cited by the submitters: PubMed 17277775; PubMed 18566967; PubMed 19088120; PubMed 22281939.

NM_022356.4(P3H1):c.116dup (p.Ala40fs)

Gene: P3H1 (prolyl 3-hydroxylase 1; minus strand). Cytogenetic location: 1p34.2.
Variant type: Duplication.
Coding change: c.116dup on transcript NM_022356.4 (MANE Select); coding-DNA position 116, one base duplicated (T; older notation c.116dupT).
Protein change: p.Ala40fs; shifts the reading frame from alanine 40.
Molecular consequence: frameshift variant.
Genome position (GRCh38, 1-based): chr1:42,766,856, A duplicated on the plus strand (T on the coding strand, the reverse complement: P3H1 is on the minus strand); the first of 2 consecutive A bases (chr1:42,766,856-42,766,857); duplicating either gives the same sequence. VCF-style (leftmost placement, unchanged base first): chr1-42766855-G-GA. GRCh37 (hg19) VCF-style: chr1-43232526-G-GA.
Other names: c.116dup, p.Ala40fs (NM_001146289.2, NM_001243246.2); short protein forms A40fs.
Identifiers: ClinVar variation 4718207 (VCV004718207.1).